The following is an entry in ClinVar:

NM_001039591.3(USP9X):c.829C>T (p.Pro277Ser)

Gene: USP9X (ubiquitin specific peptidase 9 X-linked; plus strand). Cytogenetic location: Xp11.4.
Variant type: single nucleotide variant.
Coding change: c.829C>T on transcript NM_001039591.3 (MANE Select); coding-DNA position 829, C replaced by T.
Protein change: p.Pro277Ser; replaces proline 277 with serine.
Molecular consequence: missense variant.
Genome position (GRCh38, 1-based): chrX:41,141,024, C>T. VCF-style: chrX-41141024-C-T. GRCh37 (hg19) VCF-style: chrX-41000277-C-T.
Other names: c.829C>T, p.Pro277Ser (NM_001039590.3, NM_001410748.1, NM_001410749.1); short protein forms P277S.
Identifiers: ClinVar variation 2780638 (VCV002780638.3), dbSNP rs953472738, ClinGen allele CA329013611.
Genomic context (GRCh38, chrX:41,141,024, plus strand): 5'-AGACCATTTGGGCAATGCTATGAGTTTCTCACTCTTCATACAGTGAAAAAGTACTTTCTT[C>T]CAATAATAGAAATGGTTCCACAGTTTTTAGAAAACTTAACTGATGAAGAACTGAAAAAAG-3'
Protein context (NP_001034680.2, residues 267-287): TLHTVKKYFL[Pro277Ser]IIEMVPQFLE

ClinVar aggregate classification (germline): Uncertain significance (1 of 4 stars; one submission).

Allele frequency attached by ClinVar (database versions not stated): gnomAD exomes below 0.00001.

Submission:

Labcorp Genetics (formerly Invitae), Labcorp
Classification: Uncertain significance. Last evaluated: 2024-01-17. Review status: criteria provided, single submitter. Criteria: Invitae Variant Classification Sherloc (09022015). Collection method: clinical testing. Allele origin: germline.
Comment: This sequence change replaces proline, which is neutral and non-polar, with serine, which is neutral and polar, at codon 277 of the USP9X protein (p.Pro277Ser). This variant is not present in population databases (gnomAD no frequency). This variant has not been reported in the literature in individuals affected with USP9X-related conditions. An algorithm developed to predict the effect of missense changes on protein structure and function (PolyPhen-2) suggests that this variant is likely to be tolerated. In summary, the available evidence is currently insufficient to determine the role of this variant in disease. Therefore, it has been classified as a Variant of Uncertain Significance.